The following is an entry in ClinVar:

NM_002334.4(LRP4):c.4230-2A>T

Genes: LRP4 (LDL receptor related protein 4; minus strand), LRP4-AS1 (LRP4 antisense RNA 1; plus strand). Cytogenetic location: 11p11.2.
Variant type: single nucleotide variant.
Coding change: c.4230-2A>T on transcript NM_002334.4 (MANE Select); the canonical splice acceptor site of the intron before coding-DNA position 4230, A replaced by T.
Molecular consequence: splice acceptor variant. On other transcripts: non-coding transcript variant (1).
Genome position (GRCh38, 1-based): chr11:46,873,595, T>A on the plus strand (A>T on the coding strand, the complement: LRP4 is on the minus strand). VCF-style: chr11-46873595-T-A. GRCh37 (hg19) VCF-style: chr11-46895146-T-A.
Identifiers: ClinVar variation 3033752 (VCV003033752.3), dbSNP rs747752349, ClinGen allele CA380269810.

ClinVar aggregate classification (germline): Likely pathogenic (1 of 4 stars; one submission).

Conditions:
LRP4-related disorder. Also called: LRP4-related condition.

Submission:

PreventionGenetics, part of Exact Sciences
Classification: Likely pathogenic for LRP4-related condition. Last evaluated: 2025-08-19. Review status: criteria provided, single submitter. Criteria: ACMG Guidelines, 2015. Collection method: clinical testing. Allele origin: germline.
Comment: The LRP4 c.4230-2A>T variant is predicted to disrupt the AG splice acceptor site and interfere with normal splicing. To our knowledge, this variant has not been reported in the literature or in a large population database, indicating this variant is rare. Variants that disrupt the consensus splice acceptor site in LRP4 are expected to be pathogenic. This variant is interpreted as likely pathogenic for LRP4-related autosomal recessive conditions.